The following is an entry in ClinVar:

ClinVar aggregate classification (germline): Uncertain significance (1 of 4 stars; one submission).

Submission:

Labcorp Genetics (formerly Invitae), Labcorp
Classification: Uncertain significance. Last evaluated: 2022-04-10. Review status: criteria provided, single submitter. Criteria: Invitae Variant Classification Sherloc (09022015). Collection method: clinical testing. Allele origin: germline.
Comment: In summary, the available evidence is currently insufficient to determine the role of this variant in disease. Therefore, it has been classified as a Variant of Uncertain Significance. Experimental studies and prediction algorithms are not available or were not evaluated, and the functional significance of this variant is currently unknown. This variant has not been reported in the literature in individuals affected with BACH2-related conditions. This variant is not present in population databases (gnomAD no frequency). This sequence change creates a premature translational stop signal (p.Pro780Glnfs*17) in the BACH2 gene. While this is not anticipated to result in nonsense mediated decay, it is expected to disrupt the last 62 amino acid(s) of the BACH2 protein.

NM_021813.4(BACH2):c.2339_2349del (p.Pro780fs)

Gene: BACH2 (BACH transcriptional regulator 2; minus strand). Cytogenetic location: 6q15.
Variant type: Deletion.
Coding change: c.2339_2349del on transcript NM_021813.4 (MANE Select); coding-DNA positions 2339 to 2349, 11 bases deleted (CCTGGGCACCC).
Protein change: p.Pro780fs; shifts the reading frame from proline 780.
Molecular consequence: frameshift variant.
Genome position (GRCh38, 1-based): chr6:89,932,585-89,932,595, GGGTGCCCAGG deleted on the plus strand (CCTGGGCACCC on the coding strand, the reverse complement: BACH2 is on the minus strand); deleting any 11 consecutive bases within chr6:89,932,585-89,932,598 gives the same sequence; the c. name uses the placement nearest the transcript's 3' end. VCF-style (leftmost placement, unchanged base first): chr6-89932584-TGGGTGCCCAGG-T. GRCh37 (hg19) VCF-style: chr6-90642303-TGGGTGCCCAGG-T.
Other names: c.2339_2349del, p.Pro780fs (NM_001170794.2); short protein forms P780fs.
Identifiers: ClinVar variation 1964252 (VCV001964252.5), dbSNP rs2533537213, ClinGen allele CA2580075966.